The following is an entry in ClinVar:

NM_001078.4(VCAM1):c.744C>T (p.Ser248=)

Gene: VCAM1 (vascular cell adhesion molecule 1; plus strand). Cytogenetic location: 1p21.2.
Variant type: single nucleotide variant.
Coding change: c.744C>T on transcript NM_001078.4 (MANE Select); coding-DNA position 744, C replaced by T.
Protein change: p.Ser248=; no amino-acid change (serine 248 retained).
Molecular consequence: synonymous variant.
Genome position (GRCh38, 1-based): chr1:100,724,706, C>T. VCF-style: chr1-100724706-C-T. GRCh37 (hg19) VCF-style: chr1-101190262-C-T.
Other names: c.558C>T, p.Ser186= (NM_001199834.2); c.744C>T, p.Ser248= (NM_080682.3).
Identifiers: ClinVar variation 2638941 (VCV002638941.24), dbSNP rs754644270, ClinGen allele CA971333.

ClinVar aggregate classification (germline): Likely benign (1 of 4 stars; one submission).

Allele frequency attached by ClinVar (database versions not stated): ExAC 0.00007; gnomAD 0.00007; TOPMed 0.00008.
gnomAD v4.1: 107 of 1,612,974 alleles (0.0066%); highest among the groups gnomAD compares: Middle Eastern, 0.083%; no homozygotes.

Submission:

CeGaT Center for Human Genetics Tuebingen
Classification: Likely benign. Last evaluated: 2022-06-01. Review status: criteria provided, single submitter. Criteria: CeGaT Center For Human Genetics Tuebingen Variant Classification Criteria Version 2. Collection method: clinical testing. Allele origin: germline. Affected: yes. Observed: 1 variant allele.
Comment: VCAM1: BP4, BP7